The following is an entry in ClinVar:

ClinVar aggregate classification (germline): Uncertain significance (1 of 4 stars; one submission).

Conditions:
Neurodevelopmental disorder with ataxic gait, absent speech, and decreased cortical white matter. Identifiers: MedGen C4540498, MONDO:0060624, OMIM 617807.

Submission:

Institute of Human Genetics, University of Leipzig Medical Center
Classification: Uncertain significance for Neurodevelopmental disorder with ataxic gait, absent speech, and decreased cortical white matter. Last evaluated: 2025-09-29. Review status: criteria provided, single submitter. Criteria: ACMG Guidelines, 2015. Collection method: clinical testing. Allele origin: unknown. Inheritance: Autosomal dominant inheritance. Affected: yes.
Comment: Criteria applied: PM2,PP2,PP3

NM_004218.4(RAB11B):c.268G>T (p.Val90Leu)

Gene: RAB11B (RAB11B, member RAS oncogene family; plus strand). Cytogenetic location: 19p13.2.
Variant type: single nucleotide variant.
Coding change: c.268G>T on transcript NM_004218.4 (MANE Select); coding-DNA position 268, G replaced by T.
Protein change: p.Val90Leu; replaces valine 90 with leucine.
Molecular consequence: missense variant.
Genome position (GRCh38, 1-based): chr19:8,402,117, G>T. VCF-style: chr19-8402117-G-T. GRCh37 (hg19) VCF-style: chr19-8467001-G-T.
Other names: short protein forms V90L.
Identifiers: ClinVar variation 4291135 (VCV004291135.1).